The following is an entry in ClinVar:

ClinVar aggregate classification (germline): Uncertain significance. Review status: criteria provided, multiple submitters, no conflicts (2 of 4 stars). 2 submissions from 2 submitters: Uncertain significance (2). Last evaluated 2024-09-04.

Conditions:
Glycogen storage disease XV (GSD15). Also called: GLYCOGENIN DEFICIENCY; GSD XV. Identifiers: Orphanet 263297, MedGen C3150754, MONDO:0013291, OMIM 613507.
Polyglucosan body myopathy type 2. Identifiers: Orphanet 456369, MedGen C4015452, MONDO:0014526, OMIM 616199.
Inborn genetic diseases. Identifiers: MedGen C0950123, MeSH D030342.

Allele frequency attached by ClinVar (database versions not stated): gnomAD exomes 0.00001; ExAC 0.00002; gnomAD 0.00006 and 0.00007; TOPMed 0.00007; 1000 Genomes Project 0.00020; 1000 Genomes Project 30x 0.00031.
gnomAD v4.1: 24 of 1,614,042 alleles (0.0015%); highest among the groups gnomAD compares: African/African-American, 0.025%; no homozygotes.

Submissions (2):

Ambry Genetics
Classification: Uncertain significance for Inborn genetic diseases. Last evaluated: 2024-09-04. Review status: criteria provided, single submitter. Criteria: Ambry Variant Classification Scheme 2023. Collection method: clinical testing. Allele origin: germline.

Labcorp Genetics (formerly Invitae), Labcorp
Classification: Uncertain significance for Polyglucosan body myopathy type 2; Glycogen storage disease XV. Last evaluated: 2021-11-04. Review status: criteria provided, single submitter. Criteria: Invitae Variant Classification Sherloc (09022015). Collection method: clinical testing. Allele origin: germline.
Comment: In summary, the available evidence is currently insufficient to determine the role of this variant in disease. Therefore, it has been classified as a Variant of Uncertain Significance. Algorithms developed to predict the effect of missense changes on protein structure and function are either unavailable or do not agree on the potential impact of this missense change (SIFT: "Deleterious"; PolyPhen-2: "Probably Damaging"; Align-GVGD: "Class C0"). This variant has not been reported in the literature in individuals affected with GYG1-related conditions. This variant is present in population databases (rs527407055, gnomAD 0.03%). This sequence change replaces serine, which is neutral and polar, with proline, which is neutral and non-polar, at codon 44 of the GYG1 protein (p.Ser44Pro).

NM_004130.4(GYG1):c.130T>C (p.Ser44Pro)

Gene: GYG1 (glycogenin 1; plus strand). Cytogenetic location: 3q24.
Variant type: single nucleotide variant.
Coding change: c.130T>C on transcript NM_004130.4 (MANE Select); coding-DNA position 130, T replaced by C.
Protein change: p.Ser44Pro; replaces serine 44 with proline.
Molecular consequence: missense variant.
Genome position (GRCh38, 1-based): chr3:148,994,264, T>C. VCF-style: chr3-148994264-T-C. GRCh37 (hg19) VCF-style: chr3-148712051-T-C.
Other names: c.130T>C, p.Ser44Pro (NM_001184720.2, NM_001184721.2); c.130T>C (NM_004130.3); short protein forms S44P.
Identifiers: ClinVar variation 1421188 (VCV001421188.5), dbSNP rs527407055, ClinGen allele CA2658463.